The following is an entry in ClinVar:

NM_001258392.3(CLPB):c.905A>C (p.Glu302Ala)

Gene: CLPB (ClpB family mitochondrial disaggregase; minus strand). Cytogenetic location: 11q13.4.
Variant type: single nucleotide variant.
Coding change: c.905A>C on transcript NM_001258392.3 (MANE Select); coding-DNA position 905, A replaced by C.
Protein change: p.Glu302Ala; replaces glutamic acid 302 with alanine.
Molecular consequence: missense variant.
Genome position (GRCh38, 1-based): chr11:72,317,189, T>G on the plus strand (A>C on the coding strand, the complement: CLPB is on the minus strand). VCF-style: chr11-72317189-T-G. GRCh37 (hg19) VCF-style: chr11-72028233-T-G.
Other names: c.818A>C, p.Glu273Ala (NM_001258393.3); c.860A>C, p.Glu287Ala (NM_001258394.3); c.995A>C, p.Glu332Ala (NM_030813.6); short protein forms E273A, E287A, E302A, E332A.
Identifiers: ClinVar variation 3615338 (VCV003615338.2).

ClinVar aggregate classification (germline): Uncertain significance (1 of 4 stars; one submission).

Conditions:
3-methylglutaconic aciduria, type VIIB (MGCA7B). Also called: 3-methylglutaconic aciduria, type VII, with cataracts, neurologic involvement and neutropenia; CLPB Deficiency; 3-methylglutaconic aciduria with cataracts, neurologic involvement and neutropenia. Identifiers: Orphanet 445038, MedGen C5676893, MONDO:0014561, OMIM 616271.

gnomAD v4.1: 2 of 1,612,046 alleles (0.00012%); highest among the groups gnomAD compares: Non-Finnish European, 0.00017%; no homozygotes.

Submission:

Labcorp Genetics (formerly Invitae), Labcorp
Classification: Uncertain significance for 3-methylglutaconic aciduria, type VIIB. Last evaluated: 2025-01-23. Review status: criteria provided, single submitter. Criteria: Invitae Variant Classification Sherloc (09022015). Collection method: clinical testing. Allele origin: germline.
Comment: This sequence change replaces glutamic acid, which is acidic and polar, with alanine, which is neutral and non-polar, at codon 332 of the CLPB protein (p.Glu332Ala). This variant is not present in population databases (gnomAD no frequency). This variant has not been reported in the literature in individuals affected with CLPB-related conditions. An algorithm developed to predict the effect of missense changes on protein structure and function (PolyPhen-2) suggests that this variant is likely to be tolerated. In summary, the available evidence is currently insufficient to determine the role of this variant in disease. Therefore, it has been classified as a Variant of Uncertain Significance.